The following is an entry in ClinVar:

ClinVar aggregate classification (germline): Uncertain significance (1 of 4 stars; one submission).

Conditions:
Hypertrophic cardiomyopathy 1 (CMH1). Also called: MYH7-Related Familial Hypertrophic Cardiomyopathy; Familial hypertrophic cardiomyopathy 1. Identifiers: MedGen C3495498, MONDO:0008647, OMIM 192600.

gnomAD v4.1: 1 of 1,614,126 alleles (0.000062%); highest among the groups gnomAD compares: Non-Finnish European, 0.000085%; no homozygotes.

Submission:

Labcorp Genetics (formerly Invitae), Labcorp
Classification: Uncertain significance for Hypertrophic cardiomyopathy 1. Last evaluated: 2024-07-01. Review status: criteria provided, single submitter. Criteria: Invitae Variant Classification Sherloc (09022015). Collection method: clinical testing. Allele origin: germline.
Comment: This sequence change replaces histidine, which is basic and polar, with tyrosine, which is neutral and polar, at codon 398 of the MYLK2 protein (p.His398Tyr). This variant is present in population databases (no rsID available, gnomAD 0.0009%). This variant has not been reported in the literature in individuals affected with MYLK2-related conditions. Advanced modeling of protein sequence and biophysical properties (such as structural, functional, and spatial information, amino acid conservation, physicochemical variation, residue mobility, and thermodynamic stability) performed at Invitae indicates that this missense variant is expected to disrupt MYLK2 protein function with a positive predictive value of 80%. In summary, the available evidence is currently insufficient to determine the role of this variant in disease. Therefore, it has been classified as a Variant of Uncertain Significance.

NM_033118.4(MYLK2):c.1192C>T (p.His398Tyr)

Gene: MYLK2 (myosin light chain kinase 2; plus strand). Cytogenetic location: 20q11.21.
Variant type: single nucleotide variant.
Coding change: c.1192C>T on transcript NM_033118.4 (MANE Select); coding-DNA position 1192, C replaced by T.
Protein change: p.His398Tyr; replaces histidine 398 with tyrosine.
Molecular consequence: missense variant.
Genome position (GRCh38, 1-based): chr20:31,826,906, C>T. VCF-style: chr20-31826906-C-T. GRCh37 (hg19) VCF-style: chr20-30414709-C-T.
Other names: short protein forms H398Y.
Identifiers: ClinVar variation 3695501 (VCV003695501.2).